The following is an entry in ClinVar:

NM_003500.4(ACOX2):c.1394C>T (p.Thr465Met)

Gene: ACOX2 (acyl-CoA oxidase 2; minus strand). Cytogenetic location: 3p14.3.
Variant type: single nucleotide variant.
Coding change: c.1394C>T on transcript NM_003500.4 (MANE Select); coding-DNA position 1394, C replaced by T.
Protein change: p.Thr465Met; replaces threonine 465 with methionine.
Molecular consequence: missense variant.
Genome position (GRCh38, 1-based): chr3:58,524,558, G>A on the plus strand (C>T on the coding strand, the complement: ACOX2 is on the minus strand). VCF-style: chr3-58524558-G-A. GRCh37 (hg19) VCF-style: chr3-58510285-G-A.
Other names: short protein forms T465M.
Identifiers: ClinVar variation 3357188 (VCV003357188.1).

ClinVar aggregate classification (germline): Uncertain significance (0 of 4 stars; one submission).

Conditions:
ACOX2-related disorder. Also called: ACOX2-related condition.

gnomAD v4.1: 6 of 1,614,202 alleles (0.00037%); highest among the groups gnomAD compares: East Asian, 0.0022%; no homozygotes.

Submission:

PreventionGenetics, part of Exact Sciences
Classification: Uncertain significance for ACOX2-related condition. Last evaluated: 2024-09-29. Review status: no assertion criteria provided. Collection method: clinical testing. Allele origin: germline.
Comment: The ACOX2 c.1394C>T variant is predicted to result in the amino acid substitution p.Thr465Met. To our knowledge, this variant has not been reported in the literature. This variant is reported in 0.0054% of alleles in individuals of East Asian descent in gnomAD. At this time, the clinical significance of this variant is uncertain due to the absence of conclusive functional and genetic evidence.